The following is an entry in ClinVar:

ClinVar aggregate classification (germline): Uncertain significance (1 of 4 stars; one submission).

gnomAD v4.1: 10 of 1,613,834 alleles (0.00062%); highest among the groups gnomAD compares: Non-Finnish European, 0.00085%; no homozygotes.

Submission:

Labcorp Genetics (formerly Invitae), Labcorp
Classification: Uncertain significance. Last evaluated: 2025-04-21. Review status: criteria provided, single submitter. Criteria: Invitae Variant Classification Sherloc (09022015). Collection method: clinical testing. Allele origin: germline.
Comment: This sequence change replaces proline, which is neutral and non-polar, with arginine, which is basic and polar, at codon 9 of the ANKZF1 protein (p.Pro9Arg). This variant is not present in population databases (gnomAD no frequency). This variant has not been reported in the literature in individuals affected with ANKZF1-related conditions. An algorithm developed to predict the effect of missense changes on protein structure and function outputs the following: PolyPhen-2: "Benign". The arginine amino acid residue is found in multiple mammalian species, which suggests that this missense change does not adversely affect protein function. In summary, the available evidence is currently insufficient to determine the role of this variant in disease. Therefore, it has been classified as a Variant of Uncertain Significance.

NM_018089.3(ANKZF1):c.26C>G (p.Pro9Arg)

Gene: ANKZF1 (ankyrin repeat and zinc finger peptidyl tRNA hydrolase 1; plus strand). Cytogenetic location: 2q35.
Variant type: single nucleotide variant.
Coding change: c.26C>G on transcript NM_018089.3 (MANE Select); coding-DNA position 26, C replaced by G.
Protein change: p.Pro9Arg; replaces proline 9 with arginine.
Molecular consequence: missense variant. On other transcripts: intron variant (1).
Genome position (GRCh38, 1-based): chr2:219,230,283, C>G. VCF-style: chr2-219230283-C-G. GRCh37 (hg19) VCF-style: chr2-220095005-C-G.
Other names: c.26C>G, p.Pro9Arg (NM_001042410.2); c.-267+383C>G (NM_001282792.2); short protein forms P9R.
Identifiers: ClinVar variation 4812088 (VCV004812088.1).